The following is an entry in ClinVar:

NM_147128.4(ZNRF2):c.201G>C (p.Ala67=)

Genes: ZNRF2 (zinc and ring finger 2; plus strand), LOC105375218 (uncharacterized LOC105375218; minus strand), LOC129998187 (ATAC-STARR-seq lymphoblastoid silent region 18064; plus strand). Cytogenetic location: 7p14.3.
Variant type: single nucleotide variant.
Coding change: c.201G>C on transcript NM_147128.4 (MANE Select); coding-DNA position 201, G replaced by C.
Protein change: p.Ala67=; no amino-acid change (alanine 67 retained).
Molecular consequence: synonymous variant.
Genome position (GRCh38, 1-based): chr7:30,285,558, G>C. VCF-style: chr7-30285558-G-C. GRCh37 (hg19) VCF-style: chr7-30325174-G-C.
Identifiers: ClinVar variation 2657367 (VCV002657367.24), dbSNP rs1296701437, ClinGen allele CA454522459.

ClinVar aggregate classification (germline): Likely benign (1 of 4 stars; one submission).

Submission:

CeGaT Center for Human Genetics Tuebingen
Classification: Likely benign. Last evaluated: 2023-10-01. Review status: criteria provided, single submitter. Criteria: CeGaT Center For Human Genetics Tuebingen Variant Classification Criteria Version 2. Collection method: clinical testing. Allele origin: germline. Affected: yes. Observed: 3 variant alleles.
Comment: ZNRF2: PM2:Supporting, BP4, BP7